The following is an entry in ClinVar:

NM_017617.5(NOTCH1):c.4142C>T (p.Pro1381Leu)

Gene: NOTCH1 (notch receptor 1; minus strand). Cytogenetic location: 9q34.3.
Variant type: single nucleotide variant.
Coding change: c.4142C>T on transcript NM_017617.5 (MANE Select); coding-DNA position 4142, C replaced by T.
Protein change: p.Pro1381Leu; replaces proline 1381 with leucine.
Molecular consequence: missense variant.
Genome position (GRCh38, 1-based): chr9:136,505,754, G>A on the plus strand (C>T on the coding strand, the complement: NOTCH1 is on the minus strand). VCF-style: chr9-136505754-G-A. GRCh37 (hg19) VCF-style: chr9-139400206-G-A.
Other names: short protein forms P1381L.
Identifiers: ClinVar variation 999636 (VCV000999636.9), dbSNP rs752551426, ClinGen allele CA5340678.

ClinVar aggregate classification (germline): Uncertain significance (1 of 4 stars; one submission).

Conditions:
Adams-Oliver syndrome 5 (AOS5). Identifiers: Orphanet 974, MedGen C4014970, MONDO:0014459, OMIM 616028.

Allele frequency attached by ClinVar (database versions not stated): gnomAD exomes below 0.00001; ExAC 0.00001.
gnomAD v4.1: 2 of 1,588,036 alleles (0.00013%); highest among the groups gnomAD compares: Non-Finnish European, 0.00017%; no homozygotes.

Submission:

Labcorp Genetics (formerly Invitae), Labcorp
Classification: Uncertain significance for Adams-Oliver syndrome 5. Last evaluated: 2020-02-19. Review status: criteria provided, single submitter. Criteria: Invitae Variant Classification Sherloc (09022015). Collection method: clinical testing. Allele origin: germline.
Comment: In summary, the available evidence is currently insufficient to determine the role of this variant in disease. Therefore, it has been classified as a Variant of Uncertain Significance. Algorithms developed to predict the effect of missense changes on protein structure and function (SIFT, PolyPhen-2, Align-GVGD) all suggest that this variant is likely to be disruptive, but these predictions have not been confirmed by published functional studies and their clinical significance is uncertain. This variant has not been reported in the literature in individuals with NOTCH1-related conditions. This variant is present in population databases (rs752551426, ExAC 0.002%). This sequence change replaces proline with leucine at codon 1381 of the NOTCH1 protein (p.Pro1381Leu). The proline residue is highly conserved and there is a moderate physicochemical difference between proline and leucine.